The following is an entry in ClinVar:

ClinVar aggregate classification (germline): Uncertain significance. Review status: criteria provided, multiple submitters, no conflicts (2 of 4 stars). 3 submissions from 3 submitters: Uncertain significance (3). Last evaluated 2022-06-04.

Conditions:
Infantile neuroaxonal dystrophy (NBIA2A). Also called: SEITELBERGER DISEASE; NEURODEGENERATION WITH BRAIN IRON ACCUMULATION 2A; Infantile neuroaxonal dystrophy 1. Identifiers: Orphanet 35069, MedGen C0270724, MONDO:0024457, OMIM 256600.
PLA2G6-associated neurodegeneration (PLAN). Also called: phospholipase A2-associated neurodegeneration. Identifiers: Orphanet 329303, MedGen CN204472, MONDO:0017998.

Allele frequency attached by ClinVar (database versions not stated): gnomAD 0.00001; gnomAD exomes 0.00001 and 0.00003; TOPMed 0.00001; ExAC 0.00002; ESP Exome Variant Server 0.00015.
gnomAD v4.1: 46 of 1,613,236 alleles (0.0029%); highest among the groups gnomAD compares: Non-Finnish European, 0.0035%; no homozygotes.

Submissions (3):

Labcorp Genetics (formerly Invitae), Labcorp
Classification: Uncertain significance for Infantile neuroaxonal dystrophy. Last evaluated: 2022-06-04. Review status: criteria provided, single submitter. Criteria: Invitae Variant Classification Sherloc (09022015). Collection method: clinical testing. Allele origin: germline.
Comment: This sequence change replaces aspartic acid, which is acidic and polar, with asparagine, which is neutral and polar, at codon 472 of the PLA2G6 protein (p.Asp472Asn). This variant is present in population databases (rs375874092, gnomAD 0.003%). This variant has not been reported in the literature in individuals affected with PLA2G6-related conditions. ClinVar contains an entry for this variant (Variation ID: 341639). Advanced modeling of protein sequence and biophysical properties (such as structural, functional, and spatial information, amino acid conservation, physicochemical variation, residue mobility, and thermodynamic stability) performed at Invitae indicates that this missense variant is not expected to disrupt PLA2G6 protein function. In summary, the available evidence is currently insufficient to determine the role of this variant in disease. Therefore, it has been classified as a Variant of Uncertain Significance.

CeGaT Center for Human Genetics Tuebingen
Classification: Uncertain significance. Last evaluated: 2020-02-01. Review status: criteria provided, single submitter. Criteria: CeGaT Center For Human Genetics Tuebingen Variant Classification Criteria Version 2. Collection method: clinical testing. Allele origin: germline. Affected: yes. Observed: 1 variant allele.

Illumina Laboratory Services, Illumina
Classification: Uncertain significance for PLA2G6-associated neurodegeneration. Last evaluated: 2018-01-13. Review status: criteria provided, single submitter. Criteria: ICSL Variant Classification Criteria 13 December 2019. Collection method: clinical testing. Allele origin: germline.

NM_003560.4(PLA2G6):c.1414G>A (p.Asp472Asn)

Gene: PLA2G6 (phospholipase A2 group VI; minus strand). Cytogenetic location: 22q13.1.
Variant type: single nucleotide variant.
Coding change: c.1414G>A on transcript NM_003560.4 (MANE Select); coding-DNA position 1414, G replaced by A.
Protein change: p.Asp472Asn; replaces aspartic acid 472 with asparagine.
Molecular consequence: missense variant.
Genome position (GRCh38, 1-based): chr22:38,126,384, C>T on the plus strand (G>A on the coding strand, the complement: PLA2G6 is on the minus strand). VCF-style: chr22-38126384-C-T. GRCh37 (hg19) VCF-style: chr22-38522391-C-T.
Other names: c.1252G>A, p.Asp418Asn (NM_001004426.3, NM_001199562.3, NM_001349865.2 and 1 more transcripts); c.1414G>A, p.Asp472Asn (NM_001349864.2); c.880G>A, p.Asp294Asn (NM_001349867.2); c.736G>A, p.Asp246Asn (NM_001349868.2); c.718G>A, p.Asp240Asn (NM_001349869.2); short protein forms D472N, D418N, D246N, D240N, D294N.
Identifiers: ClinVar variation 341639 (VCV000341639.48), dbSNP rs375874092, ClinGen allele CA10230877.